The following is an entry in ClinVar:

NM_057176.3(BSND):c.197A>G (p.Asp66Gly)

Gene: BSND (barttin CLCNK type accessory subunit beta; plus strand). Cytogenetic location: 1p32.3.
Variant type: single nucleotide variant.
Coding change: c.197A>G on transcript NM_057176.3 (MANE Select); coding-DNA position 197, A replaced by G.
Protein change: p.Asp66Gly; replaces aspartic acid 66 with glycine.
Molecular consequence: missense variant.
Genome position (GRCh38, 1-based): chr1:55,005,041, A>G. VCF-style: chr1-55005041-A-G. GRCh37 (hg19) VCF-style: chr1-55470714-A-G.
Other names: short protein forms D66G.
Identifiers: ClinVar variation 667196 (VCV000667196.4), dbSNP rs1570272506, ClinGen allele CA340471271.

ClinVar aggregate classification (germline): Uncertain significance (1 of 4 stars; one submission).

Submission:

Laboratory for Molecular Medicine, Mass General Brigham Personalized Medicine
Classification: Uncertain significance. Last evaluated: 2018-11-28. Review status: criteria provided, single submitter. Criteria: LMM Criteria. Collection method: clinical testing. Allele origin: germline. Observed: 1 variant allele.
Comment: The p.Asp66Gly variant in BSND has not been previously reported in individuals w ith hearing loss and was absent from large population databases. Computational p rediction tools and conservation analysis do not provide strong support for or a gainst an impact to the protein. In summary, the clinical significance of this v ariant is uncertain. ACMG/AMP Criteria applied: PM2.